The following is an entry in ClinVar:

NM_001134831.2(AHI1):c.1893G>A (p.Arg631=)

Gene: AHI1 (Abelson helper integration site 1; minus strand). Cytogenetic location: 6q23.3.
Variant type: single nucleotide variant.
Coding change: c.1893G>A on transcript NM_001134831.2 (MANE Select); coding-DNA position 1893, G replaced by A.
Protein change: p.Arg631=; no amino-acid change (arginine 631 retained).
Molecular consequence: synonymous variant.
Genome position (GRCh38, 1-based): chr6:135,442,601, C>T on the plus strand (G>A on the coding strand, the complement: AHI1 is on the minus strand). VCF-style: chr6-135442601-C-T. GRCh37 (hg19) VCF-style: chr6-135763739-C-T.
Other names: c.1893G>A, p.Arg631= (NM_001134830.2, NM_001134832.2, NM_001350503.2 and 2 more transcripts).
Identifiers: ClinVar variation 696306 (VCV000696306.13), dbSNP rs376848097, ClinGen allele CA4012485.

ClinVar aggregate classification (germline): Likely benign. Review status: criteria provided, multiple submitters, no conflicts (2 of 4 stars). 3 submissions from 3 submitters: Likely benign (3). Last evaluated 2026-01-27.

Conditions:
Joubert syndrome. Also called: Familial aplasia of the vermis; JOUBERT-BOLTSHAUSER SYNDROME. Identifiers: Orphanet 475, MedGen C5979921, MONDO:0018772.
AHI1-related disorder. Also called: AHI1-related condition.

Allele frequency attached by ClinVar (database versions not stated): gnomAD exomes 0.00003 and 0.00006; ExAC 0.00008; gnomAD 0.00019 and 0.00022; TOPMed 0.00026; ESP Exome Variant Server 0.00042.
gnomAD v4.1: 68 of 1,608,818 alleles (0.0042%); highest among the groups gnomAD compares: African/African-American, 0.084%; no homozygotes.

Submissions (3):

Labcorp Genetics (formerly Invitae), Labcorp
Classification: Likely benign for Joubert syndrome. Last evaluated: 2026-01-27. Review status: criteria provided, single submitter. Criteria: Invitae Variant Classification Sherloc (09022015). Collection method: clinical testing. Allele origin: germline.

PreventionGenetics, part of Exact Sciences
Classification: Likely benign for AHI1-related condition. Last evaluated: 2025-12-13. Review status: criteria provided, single submitter. Criteria: ACMG Guidelines, 2015. Collection method: clinical testing. Allele origin: germline.
Comment: This variant is classified as likely benign based on ACMG/AMP sequence variant interpretation guidelines (Richards et al. 2015 PMID: 25741868, with internal and published modifications).

Blueprint Genetics
Classification: Likely benign. Last evaluated: 2024-02-15. Review status: criteria provided, single submitter. Criteria: ACMG Guidelines, 2015. Collection method: clinical testing. Allele origin: germline.